The following is an entry in ClinVar:

NM_001448.3(GPC4):c.1342C>T (p.Pro448Ser)

Gene: GPC4 (glypican 4; minus strand). Cytogenetic location: Xq26.2.
Variant type: single nucleotide variant.
Coding change: c.1342C>T on transcript NM_001448.3 (MANE Select); coding-DNA position 1342, C replaced by T.
Protein change: p.Pro448Ser; replaces proline 448 with serine.
Molecular consequence: missense variant.
Genome position (GRCh38, 1-based): chrX:133,303,292, G>A on the plus strand (C>T on the coding strand, the complement: GPC4 is on the minus strand). VCF-style: chrX-133303292-G-A. GRCh37 (hg19) VCF-style: chrX-132437320-G-A.
Other names: short protein forms P448S.
Identifiers: ClinVar variation 3373433 (VCV003373433.1).
Genomic context (GRCh38, chrX:133,303,292, plus strand): 5'-GAGCCATGATTTGACGAAGGATCAGTATGTCTGGTTTGCTGGTGTCAACCTGGACCTCTG[G>A]GTTGTTGCCCTGGTTGGCTAATCCATTTCCTGTCACTGCAAACAGGTACCTGGAATGTAA-3'
Protein context (NP_001439.2, residues 438-458): GNGLANQGNN[Pro448Ser]EVQVDTSKPD

ClinVar aggregate classification (germline): Uncertain significance (1 of 4 stars; one submission).

gnomAD v4.1: 1 of 1,210,812 alleles (0.000083%); highest among the groups gnomAD compares: Non-Finnish European, 0.00011%; no homozygotes.

Submission:

GeneDx
Classification: Uncertain significance. Last evaluated: 2024-03-01. Review status: criteria provided, single submitter. Criteria: GeneDx Variant Classification Process June 2021. Collection method: clinical testing. Allele origin: germline. Affected: yes.
Comment: Not observed at significant frequency in large population cohorts (gnomAD); In silico analysis supports that this missense variant has a deleterious effect on protein structure/function; Has not been previously published as pathogenic or benign to our knowledge